The following is an entry in ClinVar:

ClinVar aggregate classification (germline): Likely benign. Review status: criteria provided, single submitter (1 of 4 stars). 2 submissions from 2 submitters: Likely benign (1). 1 of the submissions does not count toward it. Last evaluated 2024-05-23.

Conditions:
BRCA2-related disorder. Also called: BRCA2-related disorders; BRCA2-related condition. Identifiers: MedGen CN239275.
Hereditary breast ovarian cancer syndrome. Also called: Hereditary breast and ovarian cancer syndrome; Breast and ovarian cancer; Hereditary breast and ovarian cancer; Hereditary breast and/or ovarian cancer syndrome; BRCA1- and BRCA2-Associated Hereditary Breast and Ovarian Cancer; Hereditary breast and ovarian cancer syndrome (HBOC). Identifiers: Orphanet 145, MedGen C0677776, MeSH D061325, MONDO:0003582. Disease mechanism: loss of function.

Submissions (2):

Labcorp Genetics (formerly Invitae), Labcorp
Classification: Likely benign for Hereditary breast ovarian cancer syndrome. Last evaluated: 2024-05-23. Review status: criteria provided, single submitter. Criteria: Invitae Variant Classification Sherloc (09022015). Collection method: clinical testing. Allele origin: germline.

PreventionGenetics, part of Exact Sciences
Classification: Likely benign for BRCA2-related condition. Last evaluated: 2019-11-12. Review status: no assertion criteria provided. Collection method: clinical testing. Allele origin: germline. Not counted in ClinVar's aggregate classification.
Comment: This variant is classified as likely benign based on ACMG/AMP sequence variant interpretation guidelines (Richards et al. 2015 PMID: 25741868, with internal and published modifications).

NM_000059.4(BRCA2):c.-45G>C

Genes: BRCA2 (BRCA2 DNA repair associated; plus strand), LOC106721785 (BRCA2 promoter/silencer region; plus strand). Cytogenetic location: 13q13.1.
Variant type: single nucleotide variant.
Coding change: c.-45G>C on transcript NM_000059.4 (MANE Select); 45 bases upstream of the start codon, G replaced by C.
Molecular consequence: 5 prime UTR variant.
Genome position (GRCh38, 1-based): chr13:32,315,662, G>C. VCF-style: chr13-32315662-G-C. GRCh37 (hg19) VCF-style: chr13-32889799-G-C.
Other names: c.-45G>C (NM_000059.3).
Identifiers: ClinVar variation 1140880 (VCV001140880.11), dbSNP rs2138695684, ClinGen allele CA2499221997.